The following is an entry in ClinVar:

NM_000051.4(ATM):c.3704C>T (p.Pro1235Leu)

Gene: ATM (ATM serine/threonine kinase; plus strand). Cytogenetic location: 11q22.3.
Variant type: single nucleotide variant.
Coding change: c.3704C>T on transcript NM_000051.4 (MANE Select); coding-DNA position 3704, C replaced by T.
Protein change: p.Pro1235Leu; replaces proline 1235 with leucine.
Molecular consequence: missense variant.
Genome position (GRCh38, 1-based): chr11:108,282,837, C>T. VCF-style: chr11-108282837-C-T. GRCh37 (hg19) VCF-style: chr11-108153564-C-T.
Other names: c.3704C>T, p.Pro1235Leu (NM_001351834.2); short protein forms P1235L.
Identifiers: ClinVar variation 2861461 (VCV002861461.3), dbSNP rs2546880273, ClinGen allele CA382523620.

ClinVar aggregate classification (germline): Uncertain significance (1 of 4 stars; one submission).

Conditions:
Ataxia-telangiectasia syndrome (AT). Also called: AT, COMPLEMENTATION GROUP C; Ataxia telangiectasia (A-T); ATAXIA-TELANGIECTASIA, COMPLEMENTATION GROUP A; ATAXIA-TELANGIECTASIA, FRESNO VARIANT; Ataxia-telangiectasia, complementation group D; Ataxia-telangiectasia, complementation group E. Identifiers: Orphanet 100, MedGen C0004135, MONDO:0008840, OMIM 208900.

Submission:

Labcorp Genetics (formerly Invitae), Labcorp
Classification: Uncertain significance for Ataxia-telangiectasia syndrome. Last evaluated: 2023-05-09. Review status: criteria provided, single submitter. Criteria: Invitae Variant Classification Sherloc (09022015). Collection method: clinical testing. Allele origin: germline.
Comment: This sequence change replaces proline, which is neutral and non-polar, with leucine, which is neutral and non-polar, at codon 1235 of the ATM protein (p.Pro1235Leu). In summary, the available evidence is currently insufficient to determine the role of this variant in disease. Therefore, it has been classified as a Variant of Uncertain Significance. An algorithm developed to predict the effect of missense changes on protein structure and function (PolyPhen-2) suggests that this variant is likely to be disruptive. This variant has not been reported in the literature in individuals affected with ATM-related conditions. This variant is not present in population databases (gnomAD no frequency).